The following is an entry in ClinVar:

ClinVar aggregate classification (germline): Uncertain significance. Review status: criteria provided, multiple submitters, no conflicts (2 of 4 stars). 2 submissions from 2 submitters: Uncertain significance (2). Last evaluated 2024-01-13.

Conditions:
Hereditary cancer-predisposing syndrome. Also called: Hereditary Cancer Syndrome; Hereditary neoplastic syndrome; Tumor predisposition; Neoplastic Syndromes, Hereditary. Identifiers: Orphanet 140162, MedGen C0027672, MeSH D009386, MONDO:0015356.

Allele frequency attached by ClinVar (database versions not stated): gnomAD exomes below 0.00001.
gnomAD v4.1: 1 of 1,611,390 alleles (0.000062%); highest among the groups gnomAD compares: Non-Finnish European, 0.000085%; no homozygotes.

Submissions (2):

Labcorp Genetics (formerly Invitae), Labcorp
Classification: Uncertain significance. Last evaluated: 2024-01-13. Review status: criteria provided, single submitter. Criteria: Invitae Variant Classification Sherloc (09022015). Collection method: clinical testing. Allele origin: germline.
Comment: This sequence change replaces phenylalanine, which is neutral and non-polar, with cysteine, which is neutral and slightly polar, at codon 780 of the MSH3 protein (p.Phe780Cys). This variant is not present in population databases (gnomAD no frequency). This variant has not been reported in the literature in individuals affected with MSH3-related conditions. ClinVar contains an entry for this variant (Variation ID: 1789820). An algorithm developed to predict the effect of missense changes on protein structure and function (PolyPhen-2) suggests that this variant is likely to be disruptive. In summary, the available evidence is currently insufficient to determine the role of this variant in disease. Therefore, it has been classified as a Variant of Uncertain Significance.

Ambry Genetics
Classification: Uncertain significance for Hereditary cancer-predisposing syndrome. Last evaluated: 2022-01-16. Review status: criteria provided, single submitter. Criteria: Ambry Variant Classification Scheme 2023. Collection method: clinical testing. Allele origin: germline.
Comment: The p.F780C variant (also known as c.2339T>G), located in coding exon 17 of the MSH3 gene, results from a T to G substitution at nucleotide position 2339. The phenylalanine at codon 780 is replaced by cysteine, an amino acid with highly dissimilar properties. This amino acid position is conserved. In addition, this alteration is predicted to be deleterious by in silico analysis. Since supporting evidence is limited at this time, the clinical significance of this alteration remains unclear.

NM_002439.5(MSH3):c.2339T>G (p.Phe780Cys)

Gene: MSH3 (mutS homolog 3; plus strand). Cytogenetic location: 5q14.1.
Variant type: single nucleotide variant.
Coding change: c.2339T>G on transcript NM_002439.5 (MANE Select); coding-DNA position 2339, T replaced by G.
Protein change: p.Phe780Cys; replaces phenylalanine 780 with cysteine.
Molecular consequence: missense variant.
Genome position (GRCh38, 1-based): chr5:80,778,740, T>G. VCF-style: chr5-80778740-T-G. GRCh37 (hg19) VCF-style: chr5-80074559-T-G.
Other names: short protein forms F780C.
Identifiers: ClinVar variation 1789820 (VCV001789820.5), dbSNP rs2546779508, ClinGen allele CA360281741.
Genomic context (GRCh38, chr5:80,778,740, plus strand): 5'-TAACCTTGATTTCCTATTTGTGTTCTTTCCCCTCTTCTAGCACAAAAGCTGTGAGCCGCT[T>G]TCACTCTCCTTTTATTGTAGAAAATTACAGACATCTGAATCAGCTCCGGGAGCAGCTAGT-3'
Protein context (NP_002430.3, residues 770-790): KVGSTKAVSR[Phe780Cys]HSPFIVENYR